The following is an entry in ClinVar:

NM_203447.4(DOCK8):c.2096T>C (p.Met699Thr)

Gene: DOCK8 (dedicator of cytokinesis 8; plus strand). Cytogenetic location: 9p24.3.
Variant type: single nucleotide variant.
Coding change: c.2096T>C on transcript NM_203447.4 (MANE Select); coding-DNA position 2096, T replaced by C.
Protein change: p.Met699Thr; replaces methionine 699 with threonine.
Molecular consequence: missense variant.
Genome position (GRCh38, 1-based): chr9:372,273, T>C. VCF-style: chr9-372273-T-C. GRCh37 (hg19) VCF-style: chr9-372273-T-C.
Other names: c.1892T>C, p.Met631Thr (NM_001190458.2, NM_001193536.2); short protein forms M631T, M699T.
Identifiers: ClinVar variation 961351 (VCV000961351.8), dbSNP rs1245754390, ClinGen allele CA372762083.

ClinVar aggregate classification (germline): Uncertain significance (1 of 4 stars; one submission).

Conditions:
Hyper-IgE recurrent infection syndrome 3, autosomal recessive. Also called: Autosomal recessive hyper-IgE syndrome due to ZNF341 deficiency; HYPER-IgE SYNDROME 3, AUTOSOMAL RECESSIVE, WITH RECURRENT INFECTIONS. Identifiers: Orphanet 641368, MedGen C4748969, MONDO:0032654, OMIM 618282.

Allele frequency attached by ClinVar (database versions not stated): gnomAD exomes below 0.00001 and 0.00001; gnomAD 0.00001; TOPMed 0.00001.
gnomAD v4.1: 13 of 1,613,736 alleles (0.00081%); highest among the groups gnomAD compares: Non-Finnish European, 0.0011%; no homozygotes.

Submission:

Labcorp Genetics (formerly Invitae), Labcorp
Classification: Uncertain significance for Combined immunodeficiency due to DOCK8 deficiency. Last evaluated: 2019-09-15. Review status: criteria provided, single submitter. Criteria: Invitae Variant Classification Sherloc (09022015). Collection method: clinical testing. Allele origin: germline.
Comment: In summary, the available evidence is currently insufficient to determine the role of this variant in disease. Therefore, it has been classified as a Variant of Uncertain Significance. Algorithms developed to predict the effect of missense changes on protein structure and function (SIFT, PolyPhen-2, Align-GVGD) all suggest that this variant is likely to be tolerated, but these predictions have not been confirmed by published functional studies and their clinical significance is uncertain. This variant has not been reported in the literature in individuals with DOCK8-related conditions. This variant is not present in population databases (ExAC no frequency). This sequence change replaces methionine with threonine at codon 699 of the DOCK8 protein (p.Met699Thr). The methionine residue is weakly conserved and there is a moderate physicochemical difference between methionine and threonine.